The following is an entry in ClinVar:

NM_001122764.3(PPOX):c.1303C>T (p.Gln435Ter)

Gene: PPOX (protoporphyrinogen oxidase; plus strand). Cytogenetic location: 1q23.3.
Variant type: single nucleotide variant.
Coding change: c.1303C>T on transcript NM_001122764.3 (MANE Select); coding-DNA position 1303, C replaced by T.
Protein change: p.Gln435Ter; replaces glutamine 435 with a stop codon.
Molecular consequence: nonsense.
Genome position (GRCh38, 1-based): chr1:161,171,045, C>T. VCF-style: chr1-161171045-C-T. GRCh37 (hg19) VCF-style: chr1-161140835-C-T.
Other names: p.Gln435*; c.1303C>T, p.Gln435Ter (NM_000309.5, NM_001365398.1); c.1204C>T, p.Gln402Ter (NM_001350128.2); c.895C>T, p.Gln299Ter (NM_001350129.2, NM_001365400.1); c.817C>T, p.Gln273Ter (NM_001350130.2, NM_001350131.2, NM_001365401.1); c.1192C>T, p.Gln398Ter (NM_001365399.1); short protein forms Q435*, Q273*, Q299*, Q398*, Q402*.
Identifiers: ClinVar variation 293260 (VCV000293260.14), dbSNP rs754313121, ClinGen allele CA1207420.

ClinVar aggregate classification (germline): Pathogenic/Likely pathogenic. Review status: criteria provided, multiple submitters, no conflicts (2 of 4 stars). 2 submissions from 2 submitters: Pathogenic (1); Likely pathogenic (1). Last evaluated 2025-10-15.

Allele frequency attached by ClinVar (database versions not stated): ExAC 0.00001; gnomAD 0.00001; gnomAD exomes 0.00001; TOPMed 0.00002.
gnomAD v4.1: 22 of 1,614,084 alleles (0.0014%); highest among the groups gnomAD compares: Non-Finnish European, 0.0019%; no homozygotes.

Submissions (2):

Labcorp Genetics (formerly Invitae), Labcorp
Classification: Pathogenic. Last evaluated: 2025-10-15. Review status: criteria provided, single submitter. Criteria: Invitae Variant Classification Sherloc (09022015). Collection method: clinical testing. Allele origin: germline.
Comment: This sequence change creates a premature translational stop signal (p.Gln435*) in the PPOX gene. While this is not anticipated to result in nonsense mediated decay, it is expected to disrupt the last 43 amino acid(s) of the PPOX protein. This variant is present in population databases (rs754313121, gnomAD 0.002%). This premature translational stop signal has been observed in individuals with variegate porphyria (PMID: 10486317, 11348478). ClinVar contains an entry for this variant (Variation ID: 293260). Experimental studies and prediction algorithms are not available or were not evaluated, and the functional significance of this variant is currently unknown. For these reasons, this variant has been classified as Pathogenic.

Mayo Clinic Laboratories, Mayo Clinic
Classification: Likely pathogenic. Last evaluated: 2023-11-14. Review status: criteria provided, single submitter. Criteria: ACMG Guidelines, 2015. Collection method: clinical testing. Allele origin: germline.
Comment: PP4, PM2_moderate, PVS1_strong

Literature cited by the submitters: PubMed 10486317 (cited by Labcorp Genetics (formerly Invitae), Labcorp and Mayo Clinic Laboratories, Mayo Clinic); PubMed 11348478 (cited by Labcorp Genetics (formerly Invitae), Labcorp and Mayo Clinic Laboratories, Mayo Clinic); PubMed 19460837 (cited by Mayo Clinic Laboratories, Mayo Clinic); PubMed 30594473 (cited by Mayo Clinic Laboratories, Mayo Clinic).